The following is an entry in ClinVar:

NM_032620.4(GTPBP3):c.160A>G (p.Ser54Gly)

Gene: GTPBP3 (GTP binding protein 3, mitochondrial; plus strand). Cytogenetic location: 19p13.11.
Variant type: single nucleotide variant.
Coding change: c.160A>G on transcript NM_032620.4 (MANE Select); coding-DNA position 160, A replaced by G.
Protein change: p.Ser54Gly; replaces serine 54 with glycine.
Molecular consequence: missense variant.
Genome position (GRCh38, 1-based): chr19:17,338,114, A>G. VCF-style: chr19-17338114-A-G. GRCh37 (hg19) VCF-style: chr19-17448923-A-G.
Other names: c.160A>G, p.Ser54Gly (NM_001128855.3, NM_133644.4); c.226A>G, p.Ser76Gly (NM_001195422.1); short protein forms S54G, S76G.
Identifiers: ClinVar variation 1478115 (VCV001478115.8), dbSNP rs2145699930, ClinGen allele CA404731751.

ClinVar aggregate classification (germline): Uncertain significance (1 of 4 stars; one submission).

Submission:

Labcorp Genetics (formerly Invitae), Labcorp
Classification: Uncertain significance. Last evaluated: 2021-04-27. Review status: criteria provided, single submitter. Criteria: Invitae Variant Classification Sherloc (09022015). Collection method: clinical testing. Allele origin: germline.
Comment: In summary, the available evidence is currently insufficient to determine the role of this variant in disease. Therefore, it has been classified as a Variant of Uncertain Significance. Algorithms developed to predict the effect of missense changes on protein structure and function (SIFT, PolyPhen-2, Align-GVGD) all suggest that this variant is likely to be disruptive, but these predictions have not been confirmed by published functional studies and their clinical significance is uncertain. This variant has not been reported in the literature in individuals with GTPBP3-related conditions. This variant is not present in population databases (ExAC no frequency). This sequence change replaces serine with glycine at codon 54 of the GTPBP3 protein (p.Ser54Gly). The serine residue is highly conserved and there is a small physicochemical difference between serine and glycine.